The following is an entry in ClinVar:

NM_212482.4(FN1):c.4060C>A (p.Gln1354Lys)

Gene: FN1 (fibronectin 1; minus strand). Cytogenetic location: 2q35.
Variant type: single nucleotide variant.
Coding change: c.4060C>A on transcript NM_212482.4 (MANE Select); coding-DNA position 4060, C replaced by A.
Protein change: p.Gln1354Lys; replaces glutamine 1354 with lysine.
Molecular consequence: missense variant. On other transcripts: intron variant (10).
Genome position (GRCh38, 1-based): chr2:215,392,940, G>T on the plus strand (C>A on the coding strand, the complement: FN1 is on the minus strand). VCF-style: chr2-215392940-G-T. GRCh37 (hg19) VCF-style: chr2-216257663-G-T.
Other names: c.4060C>A, p.Gln1354Lys (NM_001306129.2, NM_001306130.2, NM_001365517.2 and 3 more transcripts); c.3797-1126C>A (NM_212474.3, NM_001306132.2, NM_001365523.2 and 7 more transcripts); short protein forms Q1354K.
Identifiers: ClinVar variation 1501387 (VCV001501387.8), dbSNP rs746652738, ClinGen allele CA2094547.

ClinVar aggregate classification (germline): Uncertain significance (1 of 4 stars; one submission).

Allele frequency attached by ClinVar (database versions not stated): ExAC 0.00001; gnomAD 0.00001; TOPMed 0.00001.
gnomAD v4.1: 6 of 1,612,470 alleles (0.00037%); highest among the groups gnomAD compares: Admixed American, 0.0033%; no homozygotes.

Submission:

Labcorp Genetics (formerly Invitae), Labcorp
Classification: Uncertain significance. Last evaluated: 2025-08-18. Review status: criteria provided, single submitter. Criteria: Invitae Variant Classification Sherloc (09022015). Collection method: clinical testing. Allele origin: germline.
Comment: This sequence change replaces glutamine, which is neutral and polar, with lysine, which is basic and polar, at codon 1354 of the FN1 protein (p.Gln1354Lys). This variant is present in population databases (rs746652738, gnomAD 0.006%). This variant has not been reported in the literature in individuals affected with FN1-related conditions. ClinVar contains an entry for this variant (Variation ID: 1501387). An algorithm developed to predict the effect of missense changes on protein structure and function (PolyPhen-2) suggests that this variant is likely to be disruptive. In summary, the available evidence is currently insufficient to determine the role of this variant in disease. Therefore, it has been classified as a Variant of Uncertain Significance.